The following is an entry in ClinVar:

ClinVar aggregate classification (germline): Uncertain significance (1 of 4 stars; one submission).

Allele frequency attached by ClinVar (database versions not stated): gnomAD exomes below 0.00001; TOPMed below 0.00001.

Submission:

GeneDx
Classification: Uncertain significance. Last evaluated: 2019-10-14. Review status: criteria provided, single submitter. Criteria: GeneDx Variant Classification Process June 2021. Collection method: clinical testing. Allele origin: germline. Affected: yes.
Comment: Not observed in large population cohorts (Lek et al., 2016); In silico analysis, which includes protein predictors and evolutionary conservation, supports that this variant does not alter protein structure/function; Has not been previously published as pathogenic or benign to our knowledge

NM_198569.3(ADGRG6):c.305A>G (p.Asp102Gly)

Gene: ADGRG6 (adhesion G protein-coupled receptor G6; plus strand). Cytogenetic location: 6q24.2.
Variant type: single nucleotide variant.
Coding change: c.305A>G on transcript NM_198569.3 (MANE Select); coding-DNA position 305, A replaced by G.
Protein change: p.Asp102Gly; replaces aspartic acid 102 with glycine.
Molecular consequence: missense variant.
Genome position (GRCh38, 1-based): chr6:142,367,770, A>G. VCF-style: chr6-142367770-A-G. GRCh37 (hg19) VCF-style: chr6-142688907-A-G.
Other names: c.305A>G, p.Asp102Gly (NM_001032394.3, NM_001032395.3, NM_020455.6); short protein forms D102G.
Identifiers: ClinVar variation 1308918 (VCV001308918.2), dbSNP rs1781021909, ClinGen allele CA365819872.